The following is an entry in ClinVar:

NM_018206.6(VPS35):c.883G>A (p.Val295Met)

Gene: VPS35 (VPS35 retromer complex component; minus strand). Cytogenetic location: 16q11.2.
Variant type: single nucleotide variant.
Coding change: c.883G>A on transcript NM_018206.6 (MANE Select); coding-DNA position 883, G replaced by A.
Protein change: p.Val295Met; replaces valine 295 with methionine.
Molecular consequence: missense variant.
Genome position (GRCh38, 1-based): chr16:46,676,614, C>T on the plus strand (G>A on the coding strand, the complement: VPS35 is on the minus strand). VCF-style: chr16-46676614-C-T. GRCh37 (hg19) VCF-style: chr16-46710526-C-T.
Other names: short protein forms V295M.
Identifiers: ClinVar variation 2967776 (VCV002967776.3), dbSNP rs779641969, ClinGen allele CA395810809.

ClinVar aggregate classification (germline): Uncertain significance (1 of 4 stars; one submission).

Conditions:
Parkinson disease 17 (PARK17). Also called: VPS35-Related Parkinson Disease. Identifiers: Orphanet 411602, MedGen C3280133, MONDO:0013625, OMIM 614203.

Allele frequency attached by ClinVar (database versions not stated): gnomAD exomes 0.00001.

Submission:

Labcorp Genetics (formerly Invitae), Labcorp
Classification: Uncertain significance for Parkinson disease 17. Last evaluated: 2023-07-22. Review status: criteria provided, single submitter. Criteria: Invitae Variant Classification Sherloc (09022015). Collection method: clinical testing. Allele origin: germline.
Comment: Advanced modeling of protein sequence and biophysical properties (such as structural, functional, and spatial information, amino acid conservation, physicochemical variation, residue mobility, and thermodynamic stability) has been performed at Invitae for this missense variant, however the output from this modeling did not meet the statistical confidence thresholds required to predict the impact of this variant on VPS35 protein function. In summary, the available evidence is currently insufficient to determine the role of this variant in disease. Therefore, it has been classified as a Variant of Uncertain Significance. This variant has not been reported in the literature in individuals affected with VPS35-related conditions. This variant is present in population databases (no rsID available, gnomAD 0.002%). This sequence change replaces valine, which is neutral and non-polar, with methionine, which is neutral and non-polar, at codon 295 of the VPS35 protein (p.Val295Met).